The following is an entry in ClinVar:

ClinVar aggregate classification (germline): Uncertain significance (1 of 4 stars; one submission).

gnomAD v4.1: 1 of 1,613,990 alleles (0.000062%); highest among the groups gnomAD compares: Non-Finnish European, 0.000085%; no homozygotes.

Submission:

Women's Health and Genetics/Laboratory Corporation of America, LabCorp
Classification: Uncertain significance. Last evaluated: 2025-07-17. Review status: criteria provided, single submitter. Criteria: LabCorp Variant Classification Summary - May 2015. Collection method: clinical testing. Allele origin: germline.
Comment: Variant summary: RAB23 c.274A>G (p.Thr92Ala) results in a non-conservative amino acid change in the encoded protein sequence. Algorithms developed to predict the effect of missense changes on protein structure and function are either unavailable or do not agree on the potential impact of this missense change. The variant was absent in 250252 control chromosomes. The available data on variant occurrences in the general population are insufficient to allow any conclusion about variant significance. c.274A>G has been observed in at least individual affected with atrial septal defect and pulmonary arteriovenous malformations (e.g. Zhu_2018). These report(s) do not provide unequivocal conclusions about association of the variant with Carpenter Syndrome - Type 1. To our knowledge, no experimental evidence demonstrating an impact on protein function has been reported. The following publication has been ascertained in the context of this evaluation (PMID: 30029678). No submitters have cited clinical-significance assessments for this variant to ClinVar. Based on the evidence outlined above, the variant was classified as uncertain significance.

Literature cited by the submitters: PubMed 30029678.

NM_016277.5(RAB23):c.274A>G (p.Thr92Ala)

Gene: RAB23 (RAB23, member RAS oncogene family; minus strand). Cytogenetic location: 6p12.1.
Variant type: single nucleotide variant.
Coding change: c.274A>G on transcript NM_016277.5 (MANE Select); coding-DNA position 274, A replaced by G.
Protein change: p.Thr92Ala; replaces threonine 92 with alanine.
Molecular consequence: missense variant.
Genome position (GRCh38, 1-based): chr6:57,196,574, T>C on the plus strand (A>G on the coding strand, the complement: RAB23 is on the minus strand). VCF-style: chr6-57196574-T-C. GRCh37 (hg19) VCF-style: chr6-57061372-T-C.
Other names: c.274A>G, p.Thr92Ala (NM_001278666.2, NM_001278667.2, NM_001278668.2 and 1 more transcripts); short protein forms T92A.
Identifiers: ClinVar variation 4525817 (VCV004525817.1).